The following is an entry in ClinVar:

ClinVar aggregate classification (germline): Uncertain significance (1 of 4 stars; one submission).

Conditions:
Cystic fibrosis (CF). Also called: MUCOVISCIDOSIS. Identifiers: Orphanet 586, MedGen C0010674, MONDO:0009061, OMIM 219700. Disease mechanism: loss of function.

Allele frequency attached by ClinVar (database versions not stated): gnomAD exomes below 0.00001.
gnomAD v4.1: 1 of 1,591,514 alleles (0.000063%); highest among the groups gnomAD compares: Non-Finnish European, 0.000086%; no homozygotes.

Submission:

Ambry Genetics
Classification: Uncertain significance for Cystic fibrosis. Last evaluated: 2022-03-26. Review status: criteria provided, single submitter. Criteria: Ambry Variant Classification Scheme 2023. Collection method: clinical testing. Allele origin: germline.
Comment: The p.D1320N variant (also known as c.3958G>A), located in coding exon 24 of the CFTR gene, results from a G to A substitution at nucleotide position 3958. The aspartic acid at codon 1320 is replaced by asparagine, an amino acid with highly similar properties. This amino acid position is conserved. In addition, the in silico prediction for this alteration is inconclusive. Since supporting evidence is limited at this time, the clinical significance of this alteration remains unclear.

NM_000492.4(CFTR):c.3958G>A (p.Asp1320Asn)

Gene: CFTR (CF transmembrane conductance regulator; plus strand). Cytogenetic location: 7q31.2.
Variant type: single nucleotide variant.
Coding change: c.3958G>A on transcript NM_000492.4 (MANE Select); coding-DNA position 3958, G replaced by A.
Protein change: p.Asp1320Asn; replaces aspartic acid 1320 with asparagine.
Molecular consequence: missense variant.
Genome position (GRCh38, 1-based): chr7:117,652,926, G>A. VCF-style: chr7-117652926-G-A. GRCh37 (hg19) VCF-style: chr7-117292980-G-A.
Other names: short protein forms D1320N.
Identifiers: ClinVar variation 1736481 (VCV001736481.2), dbSNP rs1330926045, ClinGen allele CA368978689.
Genomic context (GRCh38, chr7:117,652,926, plus strand): 5'-TTTAGAAAAAACTTGGATCCCTATGAACAGTGGAGTGATCAAGAAATATGGAAAGTTGCA[G>A]ATGAGGTAAGGCTGCTAACTGAAATGATTTTGAAAGGGGTAACTCATACCAACACAAATG-3'
Protein context (NP_000483.3, residues 1310-1330): WSDQEIWKVA[Asp1320Asn]EVGLRSVIEQ